The following is an entry in ClinVar:

NM_004370.6(COL12A1):c.6590C>T (p.Thr2197Ile)

Gene: COL12A1 (collagen type XII alpha 1 chain; minus strand). Cytogenetic location: 6q13.
Variant type: single nucleotide variant.
Coding change: c.6590C>T on transcript NM_004370.6 (MANE Select); coding-DNA position 6590, C replaced by T.
Protein change: p.Thr2197Ile; replaces threonine 2197 with isoleucine.
Molecular consequence: missense variant.
Genome position (GRCh38, 1-based): chr6:75,125,144, G>A on the plus strand (C>T on the coding strand, the complement: COL12A1 is on the minus strand). VCF-style: chr6-75125144-G-A. GRCh37 (hg19) VCF-style: chr6-75834860-G-A.
Other names: p.Thr2197Ile; c.3098C>T, p.Thr1033Ile (NM_080645.3); short protein forms T2197I, T1033I.
Identifiers: ClinVar variation 475889 (VCV000475889.52), dbSNP rs117038107, ClinGen allele CA3892776.

ClinVar aggregate classification (germline): Benign/Likely benign. Review status: criteria provided, multiple submitters, no conflicts (2 of 4 stars). 7 submissions from 7 submitters: Benign (4); Likely benign (1). 2 of the submissions do not count toward it. Last evaluated 2026-09-01.

Conditions:
Ullrich congenital muscular dystrophy 2 (UCMD2). Identifiers: Orphanet 75840, MedGen C4225314, MONDO:0014654, OMIM 616470.
Bethlem myopathy 2 (BTHLM2). Identifiers: Orphanet 536516, Orphanet 610, MedGen C4225313, MONDO:0034022, OMIM 616471.

Allele frequency attached by ClinVar (database versions not stated): 1000 Genomes Project 30x 0.00344; 1000 Genomes Project 0.00359; TOPMed 0.00637; gnomAD 0.00769 and 0.00776; gnomAD exomes 0.00868 and 0.01077; ESP Exome Variant Server 0.00897; ExAC 0.00911.
gnomAD v4.1: 16,864 of 1,610,238 alleles (1%); highest among the groups gnomAD compares: Non-Finnish European, 1.1%; 106 homozygotes.

Submissions (7):

CeGaT Center for Human Genetics Tuebingen
Classification: Benign. Last evaluated: 2026-09-01. Review status: criteria provided, single submitter. Criteria: CeGaT Center For Human Genetics Tuebingen Variant Classification Criteria Version 2. Collection method: clinical testing. Allele origin: germline. Affected: yes. Observed: 42 variant alleles.
Comment: COL12A1: BP4, BS1, BS2

Labcorp Genetics (formerly Invitae), Labcorp
Classification: Benign for Bethlem myopathy 2; Ullrich congenital muscular dystrophy 2. Last evaluated: 2026-02-04. Review status: criteria provided, single submitter. Criteria: Invitae Variant Classification Sherloc (09022015). Collection method: clinical testing. Allele origin: germline.

Women's Health and Genetics/Laboratory Corporation of America, LabCorp
Classification: Likely benign. Last evaluated: 2026-01-22. Review status: criteria provided, single submitter. Criteria: LabCorp Variant Classification Summary - May 2015. Collection method: clinical testing. Allele origin: germline.

Mayo Clinic Laboratories, Mayo Clinic
Classification: Benign. Last evaluated: 2023-06-16. Review status: criteria provided, single submitter. Criteria: ACMG Guidelines, 2015. Collection method: clinical testing. Allele origin: germline. Observed: 51 variant alleles.

GeneDx
Classification: Benign. Last evaluated: 2019-07-12. Review status: criteria provided, single submitter. Criteria: GeneDx Variant Classification Process June 2021. Collection method: clinical testing. Allele origin: germline. Affected: yes.

Genome Diagnostics Laboratory, Amsterdam University Medical Center
Classification: Likely benign. Review status: no assertion criteria provided. Collection method: clinical testing. Allele origin: germline. Affected: yes. Study: VKGL Data-share Consensus. Not counted in ClinVar's aggregate classification.

Laboratory of Diagnostic Genome Analysis, Leiden University Medical Center (LUMC)
Classification: Likely benign. Review status: no assertion criteria provided. Collection method: clinical testing. Allele origin: germline. Affected: yes. Study: VKGL Data-share Consensus. Not counted in ClinVar's aggregate classification.